The following is an entry in ClinVar:

ClinVar aggregate classification (germline): Uncertain significance. Review status: criteria provided, multiple submitters, no conflicts (2 of 4 stars). 3 submissions from 2 submitters: Uncertain significance (3). Last evaluated 2025-03-04.

Conditions:
Seizures, benign familial infantile, 5 (BFIS5). Also called: CONVULSIONS, BENIGN FAMILIAL INFANTILE, 5. Identifiers: Orphanet 306, MedGen C4310728, MONDO:0014903, OMIM 617080.
Developmental and epileptic encephalopathy, 13 (DEE13). Also called: Early infantile epileptic encephalopathy 13; SCN8A-Related Epilepsy; Developmental and Epileptic Encephalopathy (SCN8A-DEE). Identifiers: Orphanet 442835, MedGen C3281191, MONDO:0013801, OMIM 614558.
Early-infantile DEE. Also called: Ohtahara syndrome; Early infantile epileptic encephalopathy; Early infantile epileptic encephalopathy with suppression bursts. Identifiers: Orphanet 1934, MedGen C0393706, MONDO:0800491.

Allele frequency attached by ClinVar (database versions not stated): gnomAD exomes below 0.00001; TOPMed below 0.00001.
gnomAD v4.1: 3 of 1,614,162 alleles (0.00019%); highest among the groups gnomAD compares: Non-Finnish European, 0.00017%; no homozygotes.

Submissions (3):

Institute of Human Genetics, University of Leipzig Medical Center
Classification: Uncertain significance for Developmental and epileptic encephalopathy, 13. Last evaluated: 2025-03-04. Review status: criteria provided, single submitter. Criteria: ACMG Guidelines, 2015. Collection method: clinical testing. Allele origin: maternal. Inheritance: Autosomal recessive inheritance. Affected: yes.
Comment: Criteria applied: PP3_MOD; Identified as compund heterozygous with NM_014191.3:c.2702A>G

Labcorp Genetics (formerly Invitae), Labcorp
Classification: Uncertain significance for Early-infantile DEE. Last evaluated: 2024-08-29. Review status: criteria provided, single submitter. Criteria: Invitae Variant Classification Sherloc (09022015). Collection method: clinical testing. Allele origin: germline.
Comment: This sequence change replaces valine, which is neutral and non-polar, with methionine, which is neutral and non-polar, at codon 1195 of the SCN8A protein (p.Val1195Met). This variant is not present in population databases (gnomAD no frequency). This missense change has been observed in individual(s) with SCN8A-related conditions (PMID: 34431999). ClinVar contains an entry for this variant (Variation ID: 942029). Invitae Evidence Modeling of protein sequence and biophysical properties (such as structural, functional, and spatial information, amino acid conservation, physicochemical variation, residue mobility, and thermodynamic stability) indicates that this missense variant is expected to disrupt SCN8A protein function with a positive predictive value of 80%. In summary, the available evidence is currently insufficient to determine the role of this variant in disease. Therefore, it has been classified as a Variant of Uncertain Significance.

Institute of Human Genetics, University of Leipzig Medical Center
Classification: Uncertain significance for Seizures, benign familial infantile, 5. Last evaluated: 2022-12-07. Review status: criteria provided, single submitter. Criteria: ACMG Guidelines, 2015. Collection method: clinical testing. Allele origin: maternal. Affected: yes.
Comment: _x000D_This variant was identified as compound heterozygous with NM_014191.4:c.2702A>G. Criteria applied: PM2_SUP, PP3, PP2

Literature cited by the submitters: PubMed 34431999 (cited by Labcorp Genetics (formerly Invitae), Labcorp).

NM_001330260.2(SCN8A):c.3583G>A (p.Val1195Met)

Gene: SCN8A (sodium voltage-gated channel alpha subunit 8; plus strand). Cytogenetic location: 12q13.13.
Variant type: single nucleotide variant.
Coding change: c.3583G>A on transcript NM_001330260.2 (MANE Select); coding-DNA position 3583, G replaced by A.
Protein change: p.Val1195Met; replaces valine 1195 with methionine.
Molecular consequence: missense variant.
Genome position (GRCh38, 1-based): chr12:51,770,621, G>A. VCF-style: chr12-51770621-G-A. GRCh37 (hg19) VCF-style: chr12-52164405-G-A.
Other names: c.3583G>A, p.Val1195Met (NM_001177984.3, NM_001369788.1, NM_014191.4); short protein forms V1195M.
Identifiers: ClinVar variation 942029 (VCV000942029.13), dbSNP rs1942911383, ClinGen allele CA384896706.
Genomic context (GRCh38, chr12:51,770,621, plus strand): 5'-AACATCGAGGAAGGGCTAGGCAAGTCTTGGTGGATCCTGCGGAAAACCTGCTTCCTCATC[G>A]TGGAGCACAACTGGTTTGAGACCTTCATCATCTTCATGATTCTGCTGAGCAGTGGCGCCC-3'
Protein context (NP_001317189.1, residues 1185-1205): WILRKTCFLI[Val1195Met]EHNWFETFII